The following is an entry in ClinVar:

NM_022916.6(VPS33A):c.109G>C (p.Val37Leu)

Gene: VPS33A (VPS33A core subunit of CORVET and HOPS complexes; minus strand). Cytogenetic location: 12q24.31.
Variant type: single nucleotide variant.
Coding change: c.109G>C on transcript NM_022916.6 (MANE Select); coding-DNA position 109, G replaced by C.
Protein change: p.Val37Leu; replaces valine 37 with leucine.
Molecular consequence: missense variant.
Genome position (GRCh38, 1-based): chr12:122,264,193, C>G on the plus strand (G>C on the coding strand, the complement: VPS33A is on the minus strand). VCF-style: chr12-122264193-C-G. GRCh37 (hg19) VCF-style: chr12-122748740-C-G.
Other names: c.76G>C, p.Val26Leu (NM_001351018.2); c.61G>C, p.Val21Leu (NM_001351019.2); c.109G>C, p.Val37Leu (NM_001351020.2, NM_001351021.2); short protein forms V26L, V21L, V37L.
Identifiers: ClinVar variation 2063313 (VCV002063313.4), dbSNP rs2547182117, ClinGen allele CA387026777.

ClinVar aggregate classification (germline): Uncertain significance (1 of 4 stars; one submission).

Submission:

Labcorp Genetics (formerly Invitae), Labcorp
Classification: Uncertain significance. Last evaluated: 2021-12-27. Review status: criteria provided, single submitter. Criteria: Invitae Variant Classification Sherloc (09022015). Collection method: clinical testing. Allele origin: germline.
Comment: This variant has not been reported in the literature in individuals affected with VPS33A-related conditions. This variant is not present in population databases (gnomAD no frequency). This sequence change replaces valine, which is neutral and non-polar, with leucine, which is neutral and non-polar, at codon 37 of the VPS33A protein (p.Val37Leu). In summary, the available evidence is currently insufficient to determine the role of this variant in disease. Therefore, it has been classified as a Variant of Uncertain Significance. Algorithms developed to predict the effect of missense changes on protein structure and function are either unavailable or do not agree on the potential impact of this missense change (SIFT: "Tolerated"; PolyPhen-2: "Probably Damaging"; Align-GVGD: "Class C0").